The following is an entry in ClinVar:

NM_004006.3(DMD):c.2733dup (p.Val912fs)

Gene: DMD (dystrophin; minus strand). Cytogenetic location: Xp21.1.
Variant type: Duplication.
Coding change: c.2733dup on transcript NM_004006.3 (MANE Select); coding-DNA position 2733, one base duplicated (T; older notation c.2733dupT).
Protein change: p.Val912fs; shifts the reading frame from valine 912.
Molecular consequence: frameshift variant.
Genome position (GRCh38, 1-based): chrX:32,484,989, A duplicated on the plus strand (T on the coding strand, the reverse complement: DMD is on the minus strand); the first of 3 consecutive A bases (chrX:32,484,989-32,484,991); duplicating any one gives the same sequence. VCF-style (leftmost placement, unchanged base first): chrX-32484988-C-CA. GRCh37 (hg19) VCF-style: chrX-32503105-C-CA.
Other names: c.2709dup, p.Val904fs (NM_000109.4); c.2721dup, p.Val908fs (NM_004009.3); c.2364dup, p.Val789fs (NM_004010.3); c.2733dupT (NM_004006.2); short protein forms V904fs, V912fs, V789fs, V908fs.
Identifiers: ClinVar variation 409936 (VCV000409936.7), dbSNP rs1557380496, ClinGen allele CA16616676.

ClinVar aggregate classification (germline): Pathogenic (1 of 4 stars; one submission).

Conditions:
Duchenne muscular dystrophy (DMD). Also called: MUSCULAR DYSTROPHY, PSEUDOHYPERTROPHIC PROGRESSIVE, DUCHENNE TYPE; Duchenne Muscular Dystrophy (DMD). Identifiers: Orphanet 98896, MedGen C0013264, MONDO:0010679, OMIM 310200.

Submission:

Labcorp Genetics (formerly Invitae), Labcorp
Classification: Pathogenic for Duchenne muscular dystrophy. Last evaluated: 2016-06-11. Review status: criteria provided, single submitter. Criteria: Invitae Variant Classification Sherloc (09022015). Collection method: clinical testing. Allele origin: germline.
Comment: For these reasons, this variant has been classified as Pathogenic. While this particular variant has not been reported in the literature, truncating variants in DMD are known to be pathogenic (PMID: 16770791). This sequence change inserts 1 nucleotide in exon 21 of the DMD mRNA (c.2733dupT), causing a frameshift at codon 912. This creates a premature translational stop signal (p.Val912Cysfs*8) and is expected to result in an absent or disrupted protein product.

Literature cited by the submitters: PubMed 16770791.